The following is an entry in ClinVar:

NM_018006.5(TRMU):c.87C>G (p.Tyr29Ter)

Gene: TRMU (tRNA mitochondrial 2-thiouridylase; plus strand). Cytogenetic location: 22q13.31.
Variant type: single nucleotide variant.
Coding change: c.87C>G on transcript NM_018006.5 (MANE Select); coding-DNA position 87, C replaced by G.
Protein change: p.Tyr29Ter; replaces tyrosine 29 with a stop codon.
Molecular consequence: nonsense. On other transcripts: 5 prime UTR variant (3), non-coding transcript variant (2).
Genome position (GRCh38, 1-based): chr22:46,337,783, C>G. VCF-style: chr22-46337783-C-G. GRCh37 (hg19) VCF-style: chr22-46733680-C-G.
Other names: c.-149C>G (NM_001282782.2); c.-168C>G (NM_001282783.2, NM_001282784.2); c.87C>G, p.Tyr29Ter (NM_001282785.2); short protein forms Y29*.
Identifiers: ClinVar variation 1355265 (VCV001355265.8), dbSNP rs769668643, ClinGen allele CA411939807.
Genomic context (GRCh38, chr22:46,337,783, plus strand): 5'-CCGTTTTACCGAAGGTTGATTTATGTATTCTCTTTAATTGACCTTCCCGCCCGCAGGTTA[C>G]CAGGTGACAGGGGTGTTTATGAAGAACTGGGACTCACTGGATGAACATGGGGTCTGTACT-3'

ClinVar aggregate classification (germline): Pathogenic/Likely pathogenic. Review status: criteria provided, multiple submitters, no conflicts (2 of 4 stars). 3 submissions from 3 submitters: Pathogenic (1); Likely pathogenic (2). Last evaluated 2024-01-26.

Conditions:
Acute infantile liver failure due to synthesis defect of mtDNA-encoded proteins. Also called: LIVER FAILURE, INFANTILE, TRANSIENT; TRMU Deficiency; Liver failure acute infantile. Identifiers: Orphanet 217371, MedGen C3278664, MONDO:0013111, OMIM 613070.
Aminoglycoside-induced deafness. Also called: MT-RNR1-Related Hearing Loss and Deafness; DEAFNESS, STREPTOMYCIN-INDUCED; STREPTOMYCIN OTOTOXICITY. Identifiers: Orphanet 168609, MedGen C1838854, MONDO:0010799, OMIM 580000.

Allele frequency attached by ClinVar (database versions not stated): TOPMed 0.00001.

Submissions (3):

Labcorp Genetics (formerly Invitae), Labcorp
Classification: Pathogenic. Last evaluated: 2024-01-26. Review status: criteria provided, single submitter. Criteria: Invitae Variant Classification Sherloc (09022015). Collection method: clinical testing. Allele origin: germline.
Comment: This sequence change creates a premature translational stop signal (p.Tyr29*) in the TRMU gene. It is expected to result in an absent or disrupted protein product. Loss-of-function variants in TRMU are known to be pathogenic (PMID: 19732863, 23625533). This variant is not present in population databases (gnomAD no frequency). This variant has not been reported in the literature in individuals affected with TRMU-related conditions. ClinVar contains an entry for this variant (Variation ID: 1355265). For these reasons, this variant has been classified as Pathogenic.

Baylor Genetics
Classification: Likely pathogenic for Aminoglycoside-induced deafness. Last evaluated: 2023-10-11. Review status: criteria provided, single submitter. Criteria: ACMG Guidelines, 2015. Collection method: clinical testing. Allele origin: unknown.

Fulgent Genetics
Classification: Likely pathogenic for Aminoglycoside-induced deafness; Acute infantile liver failure due to synthesis defect of mtDNA-encoded proteins. Last evaluated: 2022-01-07. Review status: criteria provided, single submitter. Criteria: ACMG Guidelines, 2015. Collection method: clinical testing. Allele origin: unknown.

Literature cited by the submitters: PubMed 19732863 (cited by Labcorp Genetics (formerly Invitae), Labcorp); PubMed 23625533 (cited by Labcorp Genetics (formerly Invitae), Labcorp).